The following is an entry in ClinVar:

NM_007118.4(TRIO):c.174T>A (p.Asp58Glu)

Gene: TRIO (trio Rho guanine nucleotide exchange factor; plus strand). Cytogenetic location: 5p15.2.
Variant type: single nucleotide variant.
Coding change: c.174T>A on transcript NM_007118.4 (MANE Select); coding-DNA position 174, T replaced by A.
Protein change: p.Asp58Glu; replaces aspartic acid 58 with glutamic acid.
Molecular consequence: missense variant. On other transcripts: non-coding transcript variant (1).
Genome position (GRCh38, 1-based): chr5:14,270,841, T>A. VCF-style: chr5-14270841-T-A. GRCh37 (hg19) VCF-style: chr5-14270950-T-A.
Other names: short protein forms D58E.
Identifiers: ClinVar variation 4540377 (VCV004540377.1).
Genomic context (GRCh38, chr5:14,270,841, plus strand): 5'-ACTCTGGCAACCCAGTAATTTTATTTTCTCCTTCTGTATTTCAGGGTTTCGAAAAAACGA[T>A]GAAATGAAAGCTATGGATGTTTTACCAATTTTGAAGGAAAAAGTTGCATACCTTTCAGGT-3'
Protein context (NP_009049.2, residues 48-68): AFFRSGFRKN[Asp58Glu]EMKAMDVLPI

ClinVar aggregate classification (germline): Uncertain significance (1 of 4 stars; one submission).

Submission:

GeneDx
Classification: Uncertain significance. Last evaluated: 2025-06-24. Review status: criteria provided, single submitter. Criteria: GeneDx Variant Classification Process June 2021. Collection method: clinical testing. Allele origin: germline. Affected: yes.
Comment: Has not been previously published as pathogenic or benign to our knowledge; Not observed at significant frequency in large population cohorts (gnomAD); In silico analysis suggests that this missense variant does not alter protein structure/function